The following is an entry in ClinVar:

NM_001267550.2(TTN):c.57740G>A (p.Gly19247Asp)

Genes: TTN (titin; minus strand), TTN-AS1 (TTN antisense RNA 1; plus strand). Cytogenetic location: 2q31.2.
Variant type: single nucleotide variant.
Coding change: c.57740G>A on transcript NM_001267550.2 (MANE Select); coding-DNA position 57740, G replaced by A.
Protein change: p.Gly19247Asp; replaces glycine 19247 with aspartic acid.
Molecular consequence: missense variant.
Genome position (GRCh38, 1-based): chr2:178,595,614, C>T on the plus strand (G>A on the coding strand, the complement: TTN is on the minus strand). VCF-style: chr2-178595614-C-T. GRCh37 (hg19) VCF-style: chr2-179460341-C-T.
Other names: c.52817G>A, p.Gly17606Asp (NM_001256850.1); c.30545G>A, p.Gly10182Asp (NM_003319.4); c.50036G>A, p.Gly16679Asp (NM_133378.4); c.30920G>A, p.Gly10307Asp (NM_133432.3); c.31121G>A, p.Gly10374Asp (NM_133437.4); short protein forms G10182D, G10307D, G10374D, G16679D, G17606D, G19247D.
Identifiers: ClinVar variation 2442830 (VCV002442830.26), dbSNP rs1222912274, ClinGen allele CA349514896.

ClinVar aggregate classification (germline): Conflicting classifications of pathogenicity. Review status: criteria provided, conflicting classifications (1 of 4 stars). 2 submissions from 2 submitters: Uncertain significance (1); Likely benign (1). Last evaluated 2023-07-01.

Conditions:
Cardiomyopathy (CMYO). Also called: Cardiomyopathies. Identifiers: Orphanet 167848, MedGen C0878544, MONDO:0004994, HP:0001638. Inheritance: Various modes of inheritance.

Submissions (2):

CeGaT Center for Human Genetics Tuebingen
Classification: Uncertain significance. Last evaluated: 2023-07-01. Review status: criteria provided, single submitter. Criteria: CeGaT Center For Human Genetics Tuebingen Variant Classification Criteria Version 2. Collection method: clinical testing. Allele origin: germline. Affected: yes. Observed: 1 variant allele.
Comment: TTN: PM2

CHEO Genetics Diagnostic Laboratory, Children's Hospital of Eastern Ontario
Classification: Likely benign for Cardiomyopathy. Last evaluated: 2022-03-23. Review status: criteria provided, single submitter. Criteria: ACMG Guidelines, 2015. Collection method: clinical testing. Allele origin: germline.